The following is an entry in ClinVar:

ClinVar aggregate classification (germline): Benign/Likely benign. Review status: criteria provided, multiple submitters, no conflicts (2 of 4 stars). 4 submissions from 4 submitters: Benign (1); Likely benign (2). 1 of the submissions does not count toward it. Last evaluated 2025-11-16.

Conditions:
HOXB13-related disorder. Also called: HOXB13-related condition; HOXB13-related disorders.
Prostate cancer, hereditary, 9 (HPC9). Identifiers: Orphanet 1331, MedGen C1970250, MONDO:0012597, OMIM 610997.
Hereditary cancer-predisposing syndrome. Also called: Neoplastic Syndromes, Hereditary; Tumor predisposition; Hereditary Cancer Syndrome; Hereditary neoplastic syndrome. Identifiers: Orphanet 140162, MedGen C0027672, MeSH D009386, MONDO:0015356.

Allele frequency attached by ClinVar (database versions not stated): gnomAD exomes below 0.00001 and 0.00001; TOPMed below 0.00001; ExAC 0.00001; gnomAD 0.00001.
gnomAD v4.1: 4 of 1,614,038 alleles (0.00025%); highest among the groups gnomAD compares: Admixed American, 0.0017%; no homozygotes.

Submissions (4):

Labcorp Genetics (formerly Invitae), Labcorp
Classification: Likely benign. Last evaluated: 2025-11-16. Review status: criteria provided, single submitter. Criteria: Invitae Variant Classification Sherloc (09022015). Collection method: clinical testing. Allele origin: germline.

Myriad Genetics, Inc.
Classification: Benign for Prostate cancer, hereditary, 9. Last evaluated: 2024-10-31. Review status: criteria provided, single submitter. Criteria: Myriad Autosomal Dominant, Autosomal Recessive and X-Linked Classification Criteria (2023). Collection method: clinical testing. Allele origin: unknown.
Comment: This variant is considered benign. This variant is a silent/synonymous amino acid change and it is not expected to impact splicing.

Ambry Genetics
Classification: Likely benign for Hereditary cancer-predisposing syndrome. Last evaluated: 2017-06-27. Review status: criteria provided, single submitter. Criteria: Ambry Variant Classification Scheme 2023. Collection method: clinical testing. Allele origin: germline.

PreventionGenetics, part of Exact Sciences
Classification: Likely benign for HOXB13-related condition. Last evaluated: 2023-11-16. Review status: no assertion criteria provided. Collection method: clinical testing. Allele origin: germline. Not counted in ClinVar's aggregate classification.
Comment: This variant is classified as likely benign based on ACMG/AMP sequence variant interpretation guidelines (Richards et al. 2015 PMID: 25741868, with internal and published modifications).

NM_006361.6(HOXB13):c.825C>T (p.Leu275=)

Gene: HOXB13 (homeobox B13; minus strand). Cytogenetic location: 17q21.32.
Variant type: single nucleotide variant.
Coding change: c.825C>T on transcript NM_006361.6 (MANE Select); coding-DNA position 825, C replaced by T.
Protein change: p.Leu275=; no amino-acid change (leucine 275 retained).
Molecular consequence: synonymous variant.
Genome position (GRCh38, 1-based): chr17:48,726,820, G>A on the plus strand (C>T on the coding strand, the complement: HOXB13 is on the minus strand). VCF-style: chr17-48726820-G-A. GRCh37 (hg19) VCF-style: chr17-46804182-G-A.
Identifiers: ClinVar variation 483498 (VCV000483498.16), dbSNP rs750156094, ClinGen allele CA8633903.